The following is an entry in ClinVar:

NM_007315.4(STAT1):c.1822C>T (p.Arg608Trp)

Gene: STAT1 (signal transducer and activator of transcription 1; minus strand). Cytogenetic location: 2q32.2.
Variant type: single nucleotide variant.
Coding change: c.1822C>T on transcript NM_007315.4 (MANE Select); coding-DNA position 1822, C replaced by T.
Protein change: p.Arg608Trp; replaces arginine 608 with tryptophan.
Molecular consequence: missense variant.
Genome position (GRCh38, 1-based): chr2:190,978,907, G>A on the plus strand (C>T on the coding strand, the complement: STAT1 is on the minus strand). VCF-style: chr2-190978907-G-A. GRCh37 (hg19) VCF-style: chr2-191843633-G-A.
Other names: c.1762C>T, p.Arg588Trp (NM_001384880.1); c.1828C>T, p.Arg610Trp (NM_001384881.1, NM_001384884.1); c.1816C>T, p.Arg606Trp (NM_001384882.1); c.1723C>T, p.Arg575Trp (NM_001384883.1); c.1663C>T, p.Arg555Trp (NM_001384885.1); c.1822C>T, p.Arg608Trp (NM_001384886.1, NM_001384889.1, NM_139266.3); c.1729C>T, p.Arg577Trp (NM_001384887.1); c.1792C>T, p.Arg598Trp (NM_001384888.1); and 2 more; short protein forms R555W, R575W, R578W, R608W, R620W, R588W, R610W, R577W.
Identifiers: ClinVar variation 2941998 (VCV002941998.3), dbSNP rs2125007332, ClinGen allele CA349913538.

ClinVar aggregate classification (germline): Uncertain significance (1 of 4 stars; one submission).

Conditions:
Immunodeficiency 31B. Also called: STAT1 DEFICIENCY, AUTOSOMAL RECESSIVE; IMMUNODEFICIENCY 31B, MYCOBACTERIAL AND VIRAL INFECTIONS, AUTOSOMAL RECESSIVE. Identifiers: Orphanet 391311, MedGen C3151088, MONDO:0013427, OMIM 613796.
Autoimmune enteropathy and endocrinopathy - susceptibility to chronic infections syndrome. Also called: Immunodeficiency 31C, autosomal dominant; Immunodeficiency 31C. Identifiers: Orphanet 391487, MedGen C3279990, MONDO:0013599, OMIM 614162.
Mendelian susceptibility to mycobacterial diseases due to partial STAT1 deficiency. Also called: IMMUNODEFICIENCY 31A, MYCOBACTERIOSIS, AUTOSOMAL DOMINANT; STAT1 DEFICIENCY, AUTOSOMAL DOMINANT; Immunodeficiency 31a. Identifiers: Orphanet 319595, MedGen C4013950, MONDO:0013956, OMIM 614892.

Submission:

Labcorp Genetics (formerly Invitae), Labcorp
Classification: Uncertain significance for Mendelian susceptibility to mycobacterial diseases due to partial STAT1 deficiency; Immunodeficiency 31B; Autoimmune enteropathy and endocrinopathy - susceptibility to chronic infections syndrome. Last evaluated: 2023-01-24. Review status: criteria provided, single submitter. Criteria: Invitae Variant Classification Sherloc (09022015). Collection method: clinical testing. Allele origin: germline.
Comment: This sequence change replaces arginine, which is basic and polar, with tryptophan, which is neutral and slightly polar, at codon 608 of the STAT1 protein (p.Arg608Trp). This variant is not present in population databases (gnomAD no frequency). This variant has not been reported in the literature in individuals affected with STAT1-related conditions. Algorithms developed to predict the effect of missense changes on protein structure and function (SIFT, PolyPhen-2, Align-GVGD) all suggest that this variant is likely to be disruptive. In summary, the available evidence is currently insufficient to determine the role of this variant in disease. Therefore, it has been classified as a Variant of Uncertain Significance.